The following is an entry in ClinVar:

NM_004456.5(EZH2):c.546TGA[2] (p.Asp189del)

Gene: EZH2 (enhancer of zeste 2 polycomb repressive complex 2 subunit; minus strand). Cytogenetic location: 7q36.1.
Variant type: Microsatellite.
Coding change: c.546TGA[2] on transcript NM_004456.5 (MANE Select); two copies in a row of the 3-base unit TGA starting at c.546; the reference has three copies in a row; one copy, 3 bases deleted.
Protein change: p.Asp189del; deletes aspartic acid 189.
Molecular consequence: inframe deletion.
Genome position (GRCh38, 1-based): chr7:148,828,811-148,828,813, TCA deleted on the plus strand (TGA on the coding strand, the reverse complement: EZH2 is on the minus strand); deleting any 3 consecutive bases within chr7:148,828,811-148,828,820 gives the same sequence; the position shown is the placement nearest the transcript's 3' end. VCF-style (leftmost placement, unchanged base first): chr7-148828810-GTCA-G. GRCh37 (hg19) VCF-style: chr7-148525902-GTCA-G.
Other names: c.552_554delTGA (NM_004456.4); c.546TGA[2], p.Asp189del (NM_001203247.2); c.519TGA[2], p.Asp180del (NM_001203248.2, NM_001203249.2); c.429TGA[2], p.Asp150del (NM_152998.3); short protein forms D189del, D180del, D150del.
Identifiers: ClinVar variation 459203 (VCV000459203.9), dbSNP rs766699965, ClinGen allele CA4548105.

ClinVar aggregate classification (germline): Uncertain significance (1 of 4 stars; one submission).

Conditions:
Weaver syndrome (WVS). Also called: Weaver Smith syndrome; Overgrowth syndrome with accelerated skeletal maturation, unusual facies, and camptodactyly. Identifiers: Orphanet 3447, MedGen C0265210, MONDO:0010193, OMIM 277590.

Submission:

Labcorp Genetics (formerly Invitae), Labcorp
Classification: Uncertain significance for Weaver syndrome. Last evaluated: 2025-11-17. Review status: criteria provided, single submitter. Criteria: Invitae Variant Classification Sherloc (09022015). Collection method: clinical testing. Allele origin: germline.
Comment: This variant, c.552_554del, results in the deletion of 1 amino acid(s) of the EZH2 protein (p.Asp189del), but otherwise preserves the integrity of the reading frame. This variant is present in population databases (rs766699965, gnomAD 0.02%). This variant has been observed in individual(s) with pheochromocytoma (PMID: 26700204). Experimental studies and prediction algorithms are not available or were not evaluated, and the functional significance of this variant is currently unknown. In summary, the available evidence is currently insufficient to determine the role of this variant in disease. Therefore, it has been classified as a Variant of Uncertain Significance.

Literature cited by the submitters: PubMed 26700204.